The following is an entry in ClinVar:

ClinVar aggregate classification (germline): Uncertain significance (1 of 4 stars; one submission).

Submission:

Labcorp Genetics (formerly Invitae), Labcorp
Classification: Uncertain significance. Last evaluated: 2024-02-15. Review status: criteria provided, single submitter. Criteria: Invitae Variant Classification Sherloc (09022015). Collection method: clinical testing. Allele origin: germline.
Comment: This sequence change replaces glycine, which is neutral and non-polar, with valine, which is neutral and non-polar, at codon 265 of the ZSWIM6 protein (p.Gly265Val). This variant is not present in population databases (gnomAD no frequency). This variant has not been reported in the literature in individuals affected with ZSWIM6-related conditions. Advanced modeling of protein sequence and biophysical properties (such as structural, functional, and spatial information, amino acid conservation, physicochemical variation, residue mobility, and thermodynamic stability) performed at Invitae indicates that this missense variant is not expected to disrupt ZSWIM6 protein function with a negative predictive value of 80%. In summary, the available evidence is currently insufficient to determine the role of this variant in disease. Therefore, it has been classified as a Variant of Uncertain Significance.

NM_020928.2(ZSWIM6):c.794G>T (p.Gly265Val)

Gene: ZSWIM6 (zinc finger SWIM-type containing 6; plus strand). Cytogenetic location: 5q12.1.
Variant type: single nucleotide variant.
Coding change: c.794G>T on transcript NM_020928.2 (MANE Select); coding-DNA position 794, G replaced by T.
Protein change: p.Gly265Val; replaces glycine 265 with valine.
Molecular consequence: missense variant.
Genome position (GRCh38, 1-based): chr5:61,472,798, G>T. VCF-style: chr5-61472798-G-T. GRCh37 (hg19) VCF-style: chr5-60768625-G-T.
Other names: short protein forms G265V.
Identifiers: ClinVar variation 3641045 (VCV003641045.2).